The following is an entry in ClinVar:

ClinVar aggregate classification (germline): Likely benign (1 of 4 stars; one submission).

gnomAD v4.1: 9 of 1,611,204 alleles (0.00056%); highest among the groups gnomAD compares: East Asian, 0.0022%; no homozygotes.

Submission:

CeGaT Center for Human Genetics Tuebingen
Classification: Likely benign. Last evaluated: 2026-06-01. Review status: criteria provided, single submitter. Criteria: CeGaT Center For Human Genetics Tuebingen Variant Classification Criteria Version 2. Collection method: clinical testing. Allele origin: germline. Affected: yes. Observed: 1 variant allele.
Comment: ADGRL1: BS2

NM_014921.5(ADGRL1):c.4084G>A (p.Glu1362Lys)

Genes: ADGRL1 (adhesion G protein-coupled receptor L1; minus strand), ADGRL1-AS1 (ADGRL1 antisense RNA 1; plus strand). Cytogenetic location: 19p13.12.
Variant type: single nucleotide variant.
Coding change: c.4084G>A on transcript NM_014921.5 (MANE Select); coding-DNA position 4084, G replaced by A.
Protein change: p.Glu1362Lys; replaces glutamic acid 1362 with lysine.
Molecular consequence: missense variant.
Genome position (GRCh38, 1-based): chr19:14,151,199, C>T on the plus strand (G>A on the coding strand, the complement: ADGRL1 is on the minus strand). VCF-style: chr19-14151199-C-T. GRCh37 (hg19) VCF-style: chr19-14262011-C-T.
Other names: c.4099G>A, p.Glu1367Lys (NM_001008701.3); short protein forms E1362K, E1367K.
Identifiers: ClinVar variation 4873459 (VCV004873459.2).